The following is an entry in ClinVar:

ClinVar aggregate classification (germline): Uncertain significance (1 of 4 stars; one submission).

Conditions:
Inborn genetic diseases. Identifiers: MedGen C0950123, MeSH D030342.

gnomAD v4.1: 4 of 1,349,960 alleles (0.0003%); highest among the groups gnomAD compares: Non-Finnish European, 0.00038%; no homozygotes.

Submission:

Ambry Genetics
Classification: Uncertain significance for Inborn genetic diseases. Last evaluated: 2025-10-14. Review status: criteria provided, single submitter. Criteria: Ambry Variant Classification Scheme 2023. Collection method: clinical testing. Allele origin: germline.
Comment: The p.G39S variant (also known as c.115G>A), located in coding exon 1 of the LTBP3 gene, results from a G to A substitution at nucleotide position 115. The glycine at codon 39 is replaced by serine, an amino acid with similar properties. This amino acid position is conserved. In addition, this alteration is predicted to be tolerated by in silico analysis. Based on the available evidence, the clinical significance of this variant remains unclear.

NM_001130144.3(LTBP3):c.115G>A (p.Gly39Ser)

Gene: LTBP3 (latent transforming growth factor beta binding protein 3; minus strand). Cytogenetic location: 11q13.1.
Variant type: single nucleotide variant.
Coding change: c.115G>A on transcript NM_001130144.3 (MANE Select); coding-DNA position 115, G replaced by A.
Protein change: p.Gly39Ser; replaces glycine 39 with serine.
Molecular consequence: missense variant. On other transcripts: 5 prime UTR variant (1).
Genome position (GRCh38, 1-based): chr11:65,557,845, C>T on the plus strand (G>A on the coding strand, the complement: LTBP3 is on the minus strand). VCF-style: chr11-65557845-C-T. GRCh37 (hg19) VCF-style: chr11-65325316-C-T.
Other names: c.-233G>A (NM_001164266.1); c.115G>A, p.Gly39Ser (NM_021070.4); short protein forms G39S.
Identifiers: ClinVar variation 4623995 (VCV004623995.1).